The following is an entry in ClinVar:

NM_001005242.3(PKP2):c.1048G>A (p.Glu350Lys)

Gene: PKP2 (plakophilin 2; minus strand). Cytogenetic location: 12p11.21.
Variant type: single nucleotide variant.
Coding change: c.1048G>A on transcript NM_001005242.3 (MANE Select); coding-DNA position 1048, G replaced by A.
Protein change: p.Glu350Lys; replaces glutamic acid 350 with lysine.
Molecular consequence: missense variant.
Genome position (GRCh38, 1-based): chr12:32,869,049, C>T on the plus strand (G>A on the coding strand, the complement: PKP2 is on the minus strand). VCF-style: chr12-32869049-C-T. GRCh37 (hg19) VCF-style: chr12-33021983-C-T.
Other names: c.1048G>A, p.Glu350Lys (NM_004572.4); short protein forms E350K.
Identifiers: ClinVar variation 533037 (VCV000533037.11), dbSNP rs147264025, ClinGen allele CA026950.
Genomic context (GRCh38, chr12:32,869,049, plus strand): 5'-TCCTGGATGGCAGCATGTGGTCTGCCTCGAGCATACTCACTGCTCGCTCCAGAGTCATCT[C>T]CATGTCTGCATTCCTAGACAAACAGGCACAGATTCAGCCAGATTCCAAACCTCCCTCCTC-3'
Protein context (NP_001005242.2, residues 340-360): TDSQLGNADM[Glu350Lys]MTLERAVSML

ClinVar aggregate classification (germline): Uncertain significance. Review status: criteria provided, multiple submitters, no conflicts (2 of 4 stars). 4 submissions from 4 submitters: Uncertain significance (4). Last evaluated 2025-04-23.

Conditions:
Cardiovascular phenotype. Identifiers: MedGen CN230736.
Cardiomyopathy (CMYO). Also called: Cardiomyopathies. Identifiers: Orphanet 167848, MedGen C0878544, MONDO:0004994, HP:0001638. Inheritance: Various modes of inheritance.
Arrhythmogenic right ventricular dysplasia 9 (ARVD9). Also called: Arrhythmogenic Right Ventricular Dysplasia/Cardiomyopathy 9; ARRHYTHMOGENIC RIGHT VENTRICULAR DYSPLASIA, FAMILIAL, 9. Identifiers: MedGen C1836906, MONDO:0012180, OMIM 609040.
Arrhythmogenic right ventricular cardiomyopathy (ARVD). Also called: Arrhythmogenic cardiomyopathy; Arrhythmogenic Right Ventricular Cardiomyopathy (ARVC); Cardiomyopathy, ARVC; Arrhythmogenic right ventricular dysplasia. Identifiers: Orphanet 247, MedGen C0349788, MeSH D019571, MONDO:0016587. Disease mechanism: loss of function. Inheritance: Various modes of inheritance.

Allele frequency attached by ClinVar (database versions not stated): ExAC 0.00002; ESP Exome Variant Server 0.00015.
gnomAD v4.1: 33 of 1,613,858 alleles (0.002%); highest among the groups gnomAD compares: Non-Finnish European, 0.0028%; no homozygotes.

Submissions (4):

Ambry Genetics
Classification: Uncertain significance for Cardiovascular phenotype. Last evaluated: 2025-04-23. Review status: criteria provided, single submitter. Criteria: Ambry Variant Classification Scheme 2023. Collection method: clinical testing. Allele origin: germline.
Comment: The p.E350K variant (also known as c.1048G>A), located in coding exon 4 of the PKP2 gene, results from a G to A substitution at nucleotide position 1048. The glutamic acid at codon 350 is replaced by lysine, an amino acid with similar properties. This variant was detected in one individual from a dilated cardiomyopathy (DCM) cohort; however, clinical details were limited (Mazzarotto F et al. Circulation, 2020 02;141:387-398). This variant has also been reported in a noncompaction cardiomyopathy cohort and a cardiomyopathy/arrhythmia cohort (van Waning JI et al. J Am Coll Cardiol, 2018 Feb;71:711-722; Janin A et al. Mol Diagn Ther, 2021 May;25:373-385). This amino acid position is well conserved in available vertebrate species. In addition, the in silico prediction for this alteration is inconclusive. Since supporting evidence is limited at this time, the clinical significance of this alteration remains unclear.

Color Diagnostics, LLC DBA Color Health
Classification: Uncertain significance for Cardiomyopathy. Last evaluated: 2025-04-01. Review status: criteria provided, single submitter. Criteria: ACMG Guidelines, 2015. Collection method: clinical testing. Allele origin: germline.
Comment: This missense variant replaces glutamic acid with lysine at codon 350 of the PKP2 protein. Computational prediction suggests that this variant may not impact protein structure and function. To our knowledge, functional studies have not been reported for this variant. This variant has been reported in an individual affected with dilated cardiomyopathy (PMID: 31983221). This variant has been identified in 3/251274 chromosomes in the general population by the Genome Aggregation Database (gnomAD). The available evidence is insufficient to determine the role of this variant in disease conclusively. Therefore, this variant is classified as a Variant of Uncertain Significance.

Labcorp Genetics (formerly Invitae), Labcorp
Classification: Uncertain significance for Arrhythmogenic right ventricular dysplasia 9. Last evaluated: 2024-11-26. Review status: criteria provided, single submitter. Criteria: Invitae Variant Classification Sherloc (09022015). Collection method: clinical testing. Allele origin: germline.
Comment: This sequence change replaces glutamic acid, which is acidic and polar, with lysine, which is basic and polar, at codon 350 of the PKP2 protein (p.Glu350Lys). This variant is present in population databases (rs147264025, gnomAD 0.002%). This missense change has been observed in individual(s) with dilated cardiomyopathy (PMID: 31983221). ClinVar contains an entry for this variant (Variation ID: 533037). An algorithm developed to predict the effect of missense changes on protein structure and function (PolyPhen-2) suggests that this variant¬†is likely to be tolerated. In summary, the available evidence is currently insufficient to determine the role of this variant in disease. Therefore, it has been classified as a Variant of Uncertain Significance.

All of Us Research Program, National Institutes of Health
Classification: Uncertain significance for Arrhythmogenic right ventricular cardiomyopathy. Last evaluated: 2024-01-11. Review status: criteria provided, single submitter. Criteria: ACMG Guidelines, 2015. Collection method: clinical testing. Allele origin: germline. Inheritance: Autosomal dominant inheritance. Observed: 3 variant alleles, 3 heterozygotes.
Comment: This missense variant replaces glutamic acid with lysine at codon 350 of the PKP2 protein. Computational prediction suggests that this variant may not impact protein structure and function (internally defined REVEL score threshold <= 0.5, PMID: 27666373). To our knowledge, functional studies have not been reported for this variant. This variant has not been reported in individuals affected with cardiovascular disorders in the literature. This variant has been identified in 3/251274 chromosomes in the general population by the Genome Aggregation Database (gnomAD). The available evidence is insufficient to determine the role of this variant in disease conclusively. Therefore, this variant is classified as a Variant of Uncertain Significance.

This study involves interpretation of variants in research participants for the purpose of population health screening. Participant phenotype was not available at the time of variant classification. Additional details can be found in publication PMID: 35346344, PMCID: PMC8962531

Literature cited by the submitters: PubMed 29447731 (cited by Ambry Genetics); PubMed 31983221 (cited by 3 submitters); PubMed 33954932 (cited by Ambry Genetics).